The following is an entry in ClinVar:

ClinVar aggregate classification (germline): Conflicting classifications of pathogenicity. Review status: criteria provided, conflicting classifications (1 of 4 stars). 10 submissions from 10 submitters: Uncertain significance (2); Benign (1); Likely benign (3). 4 of the submissions do not count toward it. Last evaluated 2025-02-16.

Conditions:
Intellectual disability. Also called: intellectual disabilities; Intellectual functioning disability; Intellectual developmental disorder. Identifiers: MedGen C3714756, MeSH D008607, MONDO:0001071, HP:0001249.

Allele frequency attached by ClinVar (database versions not stated): 1000 Genomes Project 30x 0.00021; 1000 Genomes Project 0.00026; gnomAD exomes 0.00046 and 0.00066; TOPMed 0.00057; gnomAD 0.00061 and 0.00069; ExAC 0.00072; ESP Exome Variant Server 0.00085.
gnomAD v4.1: 790 of 1,201,532 alleles (0.066%); highest among the groups gnomAD compares: Non-Finnish European, 0.08%; no homozygotes.

Submissions (10):

Laboratory of Genetics, Children's Clinical University Hospital Latvia
Classification: Benign. Last evaluated: 2025-02-16. Review status: criteria provided, single submitter. Criteria: ACMG Guidelines, 2015. Collection method: clinical testing. Allele origin: germline. Affected: yes.

Blueprint Genetics
Classification: Likely benign. Last evaluated: 2024-09-16. Review status: criteria provided, single submitter. Criteria: ACMG Guidelines, 2015. Collection method: clinical testing. Allele origin: germline.

CeGaT Center for Human Genetics Tuebingen
Classification: Likely benign. Last evaluated: 2024-04-01. Review status: criteria provided, single submitter. Criteria: CeGaT Center For Human Genetics Tuebingen Variant Classification Criteria Version 2. Collection method: clinical testing. Allele origin: germline. Affected: yes. Observed: 4 variant alleles.
Comment: SHROOM4: BP4, BS2

Ambry Genetics
Classification: Uncertain significance. Last evaluated: 2022-05-04. Review status: criteria provided, single submitter. Criteria: Ambry Variant Classification Scheme 2023. Collection method: clinical testing. Allele origin: germline.

Laboratorio de Genetica e Diagnostico Molecular, Hospital Israelita Albert Einstein
Classification: Likely benign. Last evaluated: 2020-02-25. Review status: criteria provided, single submitter. Criteria: ACMG Guidelines, 2015. Collection method: clinical testing. Allele origin: germline. Affected: yes.
Comment: ACMG classification criteria: BS2, BP4

Genetic Services Laboratory, University of Chicago
Classification: Uncertain significance. Last evaluated: 2014-01-24. Review status: criteria provided, single submitter. Criteria: ACMG Guidelines, 2007. Collection method: clinical testing. Allele origin: germline. Inheritance: X-linked inheritance.

Centre de Biologie Pathologie Génétique, Centre Hospitalier Universitaire de Lille
Classification: Uncertain significance for Intellectual disability. Last evaluated: 2019-01-01. Review status: no assertion criteria provided. Collection method: clinical testing. Allele origin: unknown. Affected: yes. Not counted in ClinVar's aggregate classification.

Clinical Genetics DNA and cytogenetics Diagnostics Lab, Erasmus MC, Erasmus Medical Center
Classification: Likely benign. Review status: no assertion criteria provided. Collection method: clinical testing. Allele origin: germline. Affected: yes. Study: VKGL Data-share Consensus. Not counted in ClinVar's aggregate classification.

Diagnostic Laboratory, Department of Genetics, University Medical Center Groningen
Classification: Likely benign. Review status: no assertion criteria provided. Collection method: clinical testing. Allele origin: germline. Affected: yes. Study: VKGL Data-share Consensus. Not counted in ClinVar's aggregate classification.

Laboratory of Diagnostic Genome Analysis, Leiden University Medical Center (LUMC)
Classification: Likely benign. Review status: no assertion criteria provided. Collection method: clinical testing. Allele origin: germline. Affected: yes. Study: VKGL Data-share Consensus. Not counted in ClinVar's aggregate classification.

NM_020717.5(SHROOM4):c.3944T>C (p.Ile1315Thr)

Gene: SHROOM4 (shroom family member 4; minus strand). Cytogenetic location: Xp11.22.
Variant type: single nucleotide variant.
Coding change: c.3944T>C on transcript NM_020717.5 (MANE Select); coding-DNA position 3944, T replaced by C.
Protein change: p.Ile1315Thr; replaces isoleucine 1315 with threonine.
Molecular consequence: missense variant. On other transcripts: non-coding transcript variant (4).
Genome position (GRCh38, 1-based): chrX:50,598,534, A>G on the plus strand (T>C on the coding strand, the complement: SHROOM4 is on the minus strand). VCF-style: chrX-50598534-A-G. GRCh37 (hg19) VCF-style: chrX-50341534-A-G.
Other names: short protein forms I1315T.
Identifiers: ClinVar variation 130312 (VCV000130312.45), dbSNP rs149300669, ClinGen allele CA231516.